The following is an entry in ClinVar:

ClinVar aggregate classification (germline): Likely pathogenic (1 of 4 stars; one submission).

Conditions:
MEGF10-related myopathy (CMYO10A). Also called: Congenital myopathy 10A, severe variant. Identifiers: Orphanet 439212, MedGen C3280679, MONDO:0013731, OMIM 614399.

Submission:

Labcorp Genetics (formerly Invitae), Labcorp
Classification: Likely pathogenic for MEGF10-related myopathy. Last evaluated: 2019-02-19. Review status: criteria provided, single submitter. Criteria: Invitae Variant Classification Sherloc (09022015). Collection method: clinical testing. Allele origin: germline.
Comment: This sequence change affects an acceptor splice site in intron 13 of the MEGF10 gene. It is expected to disrupt RNA splicing and likely results in an absent or disrupted protein product. This variant is not present in population databases (ExAC no frequency). This variant has not been reported in the literature in individuals with MEGF10-related conditions. Algorithms developed to predict the effect of sequence changes on RNA splicing suggest that this variant may disrupt the consensus splice site, but this prediction has not been confirmed by published transcriptional studies. Donor and acceptor splice site variants typically lead to a loss of protein function (PMID: 16199547), and loss-of-function variants in MEGF10 are known to be pathogenic (PMID: 22101682, 22371254, 23453856, 23954233). In summary, the currently available evidence indicates that the variant is pathogenic, but additional data are needed to prove that conclusively. Therefore, this variant has been classified as Likely Pathogenic.

Literature cited by the submitters: PubMed 16199547; PubMed 22101682; PubMed 22371254; PubMed 23453856; PubMed 23954233.

NM_001256545.2(MEGF10):c.1591-6_1591-1delinsC

Gene: MEGF10 (multiple EGF like domains 10; plus strand). Cytogenetic location: 5q23.2.
Variant type: Indel.
Coding change: c.1591-6_1591-1delinsC on transcript NM_001256545.2 (MANE Select); 6 bases into the intron before coding-DNA position 1591 through the canonical splice acceptor site of the intron before coding-DNA position 1591, ATGCAG replaced by C.
Molecular consequence: splice acceptor variant.
Genome position (GRCh38, 1-based): chr5:127,422,664-127,422,669, ATGCAG replaced by C. VCF-style: chr5-127422664-ATGCAG-C. GRCh37 (hg19) VCF-style: chr5-126758356-ATGCAG-C.
Other names: c.1591-6_1591-1delinsC (NM_032446.3, NM_001308119.2, NM_001308121.2).
Identifiers: ClinVar variation 967933 (VCV000967933.6), dbSNP rs1765058132, ClinGen allele CA1139659029.